The following is an entry in ClinVar:

NM_003801.4(GPAA1):c.608A>T (p.Asn203Ile)

Gene: GPAA1 (glycosylphosphatidylinositol anchor attachment 1; plus strand). Cytogenetic location: 8q24.3.
Variant type: single nucleotide variant.
Coding change: c.608A>T on transcript NM_003801.4 (MANE Select); coding-DNA position 608, A replaced by T.
Protein change: p.Asn203Ile; replaces asparagine 203 with isoleucine.
Molecular consequence: missense variant.
Genome position (GRCh38, 1-based): chr8:144,084,032, A>T. VCF-style: chr8-144084032-A-T. GRCh37 (hg19) VCF-style: chr8-145138935-A-T.
Other names: short protein forms N203I.
Identifiers: ClinVar variation 3663791 (VCV003663791.2).

ClinVar aggregate classification (germline): Uncertain significance (1 of 4 stars; one submission).

Submission:

Labcorp Genetics (formerly Invitae), Labcorp
Classification: Uncertain significance. Last evaluated: 2024-08-28. Review status: criteria provided, single submitter. Criteria: Invitae Variant Classification Sherloc (09022015). Collection method: clinical testing. Allele origin: germline.
Comment: This sequence change replaces asparagine, which is neutral and polar, with isoleucine, which is neutral and non-polar, at codon 203 of the GPAA1 protein (p.Asn203Ile). This variant is not present in population databases (gnomAD no frequency). This variant has not been reported in the literature in individuals affected with GPAA1-related conditions. Invitae Evidence Modeling of protein sequence and biophysical properties (such as structural, functional, and spatial information, amino acid conservation, physicochemical variation, residue mobility, and thermodynamic stability) indicates that this missense variant is not expected to disrupt GPAA1 protein function with a negative predictive value of 80%. In summary, the available evidence is currently insufficient to determine the role of this variant in disease. Therefore, it has been classified as a Variant of Uncertain Significance.